The following is an entry in ClinVar:

NM_001379081.2(FREM1):c.3471+11T>C

Gene: FREM1 (FRAS1 related extracellular matrix 1; minus strand). Cytogenetic location: 9p22.3.
Variant type: single nucleotide variant.
Coding change: c.3471+11T>C on transcript NM_001379081.2 (MANE Select); 11 bases into the intron after coding-DNA position 3471, T replaced by C.
Molecular consequence: intron variant.
Genome position (GRCh38, 1-based): chr9:14,804,945, A>G on the plus strand (T>C on the coding strand, the complement: FREM1 is on the minus strand). VCF-style: chr9-14804945-A-G. GRCh37 (hg19) VCF-style: chr9-14804943-A-G.
Other names: c.3471+11T>C (NM_144966.7).
Identifiers: ClinVar variation 366134 (VCV000366134.18), dbSNP rs72614223, ClinGen allele CA4990552.

ClinVar aggregate classification (germline): Benign. Review status: criteria provided, multiple submitters, no conflicts (2 of 4 stars). 5 submissions from 5 submitters: Benign (5). Last evaluated 2026-02-03.

Conditions:
Oculotrichoanal syndrome (MOTA). Also called: MARLES SYNDROME; Manitoba Oculotrichoanal (MOTA) Syndrome. Identifiers: Orphanet 2717, MedGen C1855425, MONDO:0009560, OMIM 248450.

Allele frequency attached by ClinVar (database versions not stated): ESP Exome Variant Server 0.05202; gnomAD 0.06395 and 0.06651; gnomAD exomes 0.06525 and 0.08509; TOPMed 0.06951; ExAC 0.07980; 1000 Genomes Project 30x 0.09026; 1000 Genomes Project 0.09225.
gnomAD v4.1: 103,702 of 1,579,672 alleles (6.6%); highest among the groups gnomAD compares: East Asian, 28%; 4,963 homozygotes.

Submissions (5):

Labcorp Genetics (formerly Invitae), Labcorp
Classification: Benign. Last evaluated: 2026-02-03. Review status: criteria provided, single submitter. Criteria: Invitae Variant Classification Sherloc (09022015). Collection method: clinical testing. Allele origin: germline.

Blueprint Genetics
Classification: Benign. Last evaluated: 2024-11-27. Review status: criteria provided, single submitter. Criteria: ACMG Guidelines, 2015. Collection method: clinical testing. Allele origin: germline.

GeneDx
Classification: Benign. Last evaluated: 2021-05-12. Review status: criteria provided, single submitter. Criteria: GeneDx Variant Classification Process June 2021. Collection method: clinical testing. Allele origin: germline. Affected: yes.

Illumina Laboratory Services, Illumina
Classification: Benign for Oculotrichoanal syndrome. Last evaluated: 2018-01-13. Review status: criteria provided, single submitter. Criteria: ICSL Variant Classification Criteria 13 December 2019. Collection method: clinical testing. Allele origin: germline.
Comment: This variant was observed in the ICSL laboratory as part of a predisposition screen in an ostensibly healthy population. It had not been previously curated by ICSL or reported in the Human Gene Mutation Database (HGMD: prior to June 1st, 2018), and was therefore a candidate for classification through an automated scoring system. Utilizing variant allele frequency, disease prevalence and penetrance estimates, and inheritance mode, an automated score was calculated to assess if this variant is too frequent to cause the disease. Based on the score and internal cut-off values, a variant classified as benign is not then subjected to further curation. The score for this variant resulted in a classification of benign for this disease.

Breakthrough Genomics
Classification: Benign. Review status: criteria provided, single submitter. Criteria: ACMG Guidelines, 2015. Collection method: not provided. Allele origin: germline. Inheritance: Autosomal recessive inheritance. Affected: yes.